The following is an entry in ClinVar:

NM_001319074.4(RAX2):c.4T>C (p.Phe2Leu)

Gene: RAX2 (retina and anterior neural fold homeobox 2; minus strand). Cytogenetic location: 19p13.3.
Variant type: single nucleotide variant.
Coding change: c.4T>C on transcript NM_001319074.4 (MANE Select); coding-DNA position 4, T replaced by C.
Protein change: p.Phe2Leu; replaces phenylalanine 2 with leucine.
Molecular consequence: missense variant.
Genome position (GRCh38, 1-based): chr19:3,771,739, A>G on the plus strand (T>C on the coding strand, the complement: RAX2 is on the minus strand). VCF-style: chr19-3771739-A-G. GRCh37 (hg19) VCF-style: chr19-3771737-A-G.
Other names: c.4T>C, p.Phe2Leu (NM_032753.4); short protein forms F2L.
Identifiers: ClinVar variation 2757220 (VCV002757220.3), dbSNP rs1411731808, ClinGen allele CA403376769.

ClinVar aggregate classification (germline): Uncertain significance (1 of 4 stars; one submission).

Allele frequency attached by ClinVar (database versions not stated): TOPMed 0.00001; gnomAD exomes 0.00002.

Submission:

Labcorp Genetics (formerly Invitae), Labcorp
Classification: Uncertain significance. Last evaluated: 2023-09-27. Review status: criteria provided, single submitter. Criteria: Invitae Variant Classification Sherloc (09022015). Collection method: clinical testing. Allele origin: germline.
Comment: In summary, the available evidence is currently insufficient to determine the role of this variant in disease. Therefore, it has been classified as a Variant of Uncertain Significance. An algorithm developed to predict the effect of missense changes on protein structure and function (PolyPhen-2) suggests that this variant is likely to be disruptive. This variant has not been reported in the literature in individuals affected with RAX2-related conditions. This variant is present in population databases (no rsID available, gnomAD 0.01%). This sequence change replaces phenylalanine, which is neutral and non-polar, with leucine, which is neutral and non-polar, at codon 2 of the RAX2 protein (p.Phe2Leu).